The following is an entry in ClinVar:

NM_020937.4(FANCM):c.1133G>A (p.Gly378Glu)

Gene: FANCM (FA complementation group M; plus strand). Cytogenetic location: 14q21.2.
Variant type: single nucleotide variant.
Coding change: c.1133G>A on transcript NM_020937.4 (MANE Select); coding-DNA position 1133, G replaced by A.
Protein change: p.Gly378Glu; replaces glycine 378 with glutamic acid.
Molecular consequence: missense variant.
Genome position (GRCh38, 1-based): chr14:45,154,002, G>A. VCF-style: chr14-45154002-G-A. GRCh37 (hg19) VCF-style: chr14-45623205-G-A.
Other names: c.1055G>A, p.Gly352Glu (NM_001308133.2); c.1133G>A, p.Gly378Glu (NM_001308134.2); short protein forms G378E, G352E.
Identifiers: ClinVar variation 408222 (VCV000408222.8), dbSNP rs1060501894, ClinGen allele CA16614437.

ClinVar aggregate classification (germline): Uncertain significance (1 of 4 stars; one submission).

Conditions:
Fanconi anemia (FA). Also called: Fanconi's anemia. Identifiers: Orphanet 84, MedGen C0015625, MeSH D005199, MONDO:0019391.

Allele frequency attached by ClinVar (database versions not stated): gnomAD exomes below 0.00001; TOPMed below 0.00001.
gnomAD v4.1: 1 of 1,584,208 alleles (0.000063%); highest among the groups gnomAD compares: Non-Finnish European, 0.000087%; no homozygotes.

Submission:

Labcorp Genetics (formerly Invitae), Labcorp
Classification: Uncertain significance for Fanconi anemia. Last evaluated: 2016-11-09. Review status: criteria provided, single submitter. Criteria: Invitae Variant Classification Sherloc (09022015). Collection method: clinical testing. Allele origin: germline.
Comment: Algorithms developed to predict the effect of missense changes on protein structure and function do not agree on the potential impact of this missense change (SIFT: "Deleterious"; PolyPhen-2: "Probably Damaging"; Align-GVGD: "Class C0"). In summary, this variant is a novel missense change with uncertain impact on protein function. It has been classified as a Variant of Uncertain Significance. This variant is not present in population databases (ExAC no frequency) and has not been reported in the literature in individuals with a FANCM-related disease. This sequence change replaces glycine with glutamic acid at codon 378 of the FANCM protein (p.Gly378Glu). The glycine residue is highly conserved and there is a moderate physicochemical difference between glycine and glutamic acid.